The following is an entry in ClinVar:

ClinVar aggregate classification (germline): Uncertain significance (1 of 4 stars; one submission).

Conditions:
Thrombophilia due to protein S deficiency, autosomal recessive (THPH6). Identifiers: Orphanet 743, MedGen C3281092, MONDO:0013791, OMIM 614514. Disease mechanism: loss of function.

Submission:

Labcorp Genetics (formerly Invitae), Labcorp
Classification: Uncertain significance for Thrombophilia due to protein S deficiency, autosomal recessive. Last evaluated: 2024-01-31. Review status: criteria provided, single submitter. Criteria: Invitae Variant Classification Sherloc (09022015). Collection method: clinical testing. Allele origin: germline.
Comment: This sequence change replaces leucine, which is neutral and non-polar, with proline, which is neutral and non-polar, at codon 16 of the PROS1 protein (p.Leu16Pro). This variant is not present in population databases (gnomAD no frequency). This variant has not been reported in the literature in individuals affected with PROS1-related conditions. ClinVar contains an entry for this variant (Variation ID: 839159). Advanced modeling of protein sequence and biophysical properties (such as structural, functional, and spatial information, amino acid conservation, physicochemical variation, residue mobility, and thermodynamic stability) has been performed at Invitae for this missense variant, however the output from this modeling did not meet the statistical confidence thresholds required to predict the impact of this variant on PROS1 protein function. In summary, the available evidence is currently insufficient to determine the role of this variant in disease. Therefore, it has been classified as a Variant of Uncertain Significance.

NM_000313.4(PROS1):c.47T>C (p.Leu16Pro)

Gene: PROS1 (protein S; minus strand). Cytogenetic location: 3q11.1.
Variant type: single nucleotide variant.
Coding change: c.47T>C on transcript NM_000313.4 (MANE Select); coding-DNA position 47, T replaced by C.
Protein change: p.Leu16Pro; replaces leucine 16 with proline.
Molecular consequence: missense variant.
Genome position (GRCh38, 1-based): chr3:93,973,703, A>G on the plus strand (T>C on the coding strand, the complement: PROS1 is on the minus strand). VCF-style: chr3-93973703-A-G. GRCh37 (hg19) VCF-style: chr3-93692547-A-G.
Other names: c.47T>C, p.Leu16Pro (NM_001314077.2); short protein forms L16P.
Identifiers: ClinVar variation 839159 (VCV000839159.6), dbSNP rs1709925832, ClinGen allele CA353674245.